The following is an entry in ClinVar:

ClinVar aggregate classification (germline): Uncertain significance (1 of 4 stars; one submission).

Conditions:
Hypercholesterolemia, autosomal dominant, 3 (FHCL3). Also called: Familial Hypercholesterolemia, Autosomal Dominant, 3; Familial hypercholesterolemia 3; PCSK9-Related Familial Hypercholesterolemia, Autosomal Dominant. Identifiers: MedGen C1863551, MONDO:0011369, OMIM 603776.

Allele frequency attached by ClinVar (database versions not stated): gnomAD exomes below 0.00001; TOPMed below 0.00001.
gnomAD v4.1: 2 of 1,610,074 alleles (0.00012%); highest among the groups gnomAD compares: Non-Finnish European, 0.00017%; no homozygotes.

Submission:

Labcorp Genetics (formerly Invitae), Labcorp
Classification: Uncertain significance for Hypercholesterolemia, autosomal dominant, 3. Last evaluated: 2024-10-23. Review status: criteria provided, single submitter. Criteria: Invitae Variant Classification Sherloc (09022015). Collection method: clinical testing. Allele origin: germline.
Comment: This sequence change replaces lysine, which is basic and polar, with asparagine, which is neutral and polar, at codon 273 of the PCSK9 protein (p.Lys273Asn). This variant is not present in population databases (gnomAD no frequency). This variant has not been reported in the literature in individuals affected with PCSK9-related conditions. Invitae Evidence Modeling of protein sequence and biophysical properties (such as structural, functional, and spatial information, amino acid conservation, physicochemical variation, residue mobility, and thermodynamic stability) indicates that this missense variant is not expected to disrupt PCSK9 protein function with a negative predictive value of 80%. In summary, the available evidence is currently insufficient to determine the role of this variant in disease. Therefore, it has been classified as a Variant of Uncertain Significance.

NM_174936.4(PCSK9):c.819A>C (p.Lys273Asn)

Gene: PCSK9 (proprotein convertase subtilisin/kexin type 9; plus strand). Cytogenetic location: 1p32.3.
Variant type: single nucleotide variant.
Coding change: c.819A>C on transcript NM_174936.4 (MANE Select); coding-DNA position 819, A replaced by C.
Protein change: p.Lys273Asn; replaces lysine 273 with asparagine.
Molecular consequence: missense variant. On other transcripts: non-coding transcript variant (8).
Genome position (GRCh38, 1-based): chr1:55,056,012, A>C. VCF-style: chr1-55056012-A-C. GRCh37 (hg19) VCF-style: chr1-55521685-A-C.
Other names: c.942A>C, p.Lys314Asn (NM_001407240.1); c.819A>C, p.Lys273Asn (NM_001407241.1, NM_001407244.1, NM_001407247.1); c.822A>C, p.Lys274Asn (NM_001407242.1); c.762A>C, p.Lys254Asn (NM_001407243.1); c.627A>C, p.Lys209Asn (NM_001407245.1); c.444A>C, p.Lys148Asn (NM_001407246.1); short protein forms K209N, K254N, K273N, K148N, K274N, K314N.
Identifiers: ClinVar variation 2788990 (VCV002788990.3), dbSNP rs1453038620, ClinGen allele CA340474333.
Genomic context (GRCh38, chr1:55,056,012, plus strand): 5'-CAGGTCTCCCCAAGGGGTGACCTTGGCTTTGTTCCTCCCAGGCCTGGAGTTTATTCGGAA[A>C]AGCCAGCTGGTCCAGCCTGTGGGGCCACTGGTGGTGCTGCTGCCCCTGGCGGGTGGGTAC-3'
Protein context (NP_777596.2, residues 263-283): GTLIGLEFIR[Lys273Asn]SQLVQPVGPL